The following is an entry in ClinVar:

NM_000051.4(ATM):c.1775G>T (p.Ser592Ile)

Gene: ATM (ATM serine/threonine kinase; plus strand). Cytogenetic location: 11q22.3.
Variant type: single nucleotide variant.
Coding change: c.1775G>T on transcript NM_000051.4 (MANE Select); coding-DNA position 1775, G replaced by T.
Protein change: p.Ser592Ile; replaces serine 592 with isoleucine.
Molecular consequence: missense variant.
Genome position (GRCh38, 1-based): chr11:108,252,004, G>T. VCF-style: chr11-108252004-G-T. GRCh37 (hg19) VCF-style: chr11-108122731-G-T.
Other names: c.1775G>T, p.Ser592Ile (NM_001351834.2); short protein forms S592I.
Identifiers: ClinVar variation 3365707 (VCV003365707.1).
Genomic context (GRCh38, chr11:108,252,004, plus strand): 5'-TAAAGGAATCAATAATGAAATGGCTCTTATTCTATCAGTTAGAGGGTGACTTAGAAAATA[G>T]CACAGAAGTGCCTCCAATTCTTCACAGGTAATTTAAGTTCATTAGCATGCTGCTGTTTTT-3'
Protein context (NP_000042.3, residues 582-602): FYQLEGDLEN[Ser592Ile]TEVPPILHSN

ClinVar aggregate classification (germline): Uncertain significance (1 of 4 stars; one submission).

gnomAD v4.1: 1 of 1,612,924 alleles (0.000062%); highest among the groups gnomAD compares: Non-Finnish European, 0.000085%; no homozygotes.

Submission:

GeneDx
Classification: Uncertain significance. Last evaluated: 2023-12-18. Review status: criteria provided, single submitter. Criteria: GeneDx Variant Classification Process June 2021. Collection method: clinical testing. Allele origin: germline. Affected: yes.
Comment: Not observed at significant frequency in large population cohorts (gnomAD); In silico analysis supports that this missense variant does not alter protein structure/function; Has not been previously published as pathogenic or benign to our knowledge